The following is an entry in ClinVar:

NM_001267550.2(TTN):c.87639G>A (p.Lys29213=)

Genes: TTN (titin; minus strand), TTN-AS1 (TTN antisense RNA 1; plus strand). Cytogenetic location: 2q31.2.
Variant type: single nucleotide variant.
Coding change: c.87639G>A on transcript NM_001267550.2 (MANE Select); coding-DNA position 87639, G replaced by A.
Protein change: p.Lys29213=; no amino-acid change (lysine 29213 retained).
Molecular consequence: synonymous variant.
Genome position (GRCh38, 1-based): chr2:178,557,715, C>T on the plus strand (G>A on the coding strand, the complement: TTN is on the minus strand). VCF-style: chr2-178557715-C-T. GRCh37 (hg19) VCF-style: chr2-179422442-C-T.
Other names: c.82716G>A, p.Lys27572= (NM_001256850.1); c.60444G>A, p.Lys20148= (NM_003319.4); c.79935G>A, p.Lys26645= (NM_133378.4); c.60819G>A, p.Lys20273= (NM_133432.3); c.61020G>A, p.Lys20340= (NM_133437.4).
Identifiers: ClinVar variation 535576 (VCV000535576.16), dbSNP rs1001957031, ClinGen allele CA430247347.

ClinVar aggregate classification (germline): Likely benign. Review status: criteria provided, multiple submitters, no conflicts (2 of 4 stars). 6 submissions from 6 submitters: Likely benign (6). Last evaluated 2026-03-27.

Conditions:
Cardiomyopathy (CMYO). Also called: Cardiomyopathies. Identifiers: Orphanet 167848, MedGen C0878544, MONDO:0004994, HP:0001638. Inheritance: Various modes of inheritance.
Cardiovascular phenotype. Identifiers: MedGen CN230736.
Dilated cardiomyopathy 1G (CMD1G). Identifiers: Orphanet 154, MedGen C1858763, MONDO:0011400, OMIM 604145.
Autosomal recessive limb-girdle muscular dystrophy type 2J (LGMDR10). Also called: Limb-girdle muscular dystrophy, type 2J; MUSCULAR DYSTROPHY, LIMB-GIRDLE, AUTOSOMAL RECESSIVE 10. Identifiers: Orphanet 140922, MedGen C1837342, MONDO:0012127, OMIM 608807.

gnomAD v4.1: 9 of 1,613,924 alleles (0.00056%); highest among the groups gnomAD compares: Non-Finnish European, 0.00076%; no homozygotes.

Submissions (6):

Molecular Diagnostic Laboratory for Inherited Cardiovascular Disease, Montreal Heart Institute
Classification: Likely benign. Last evaluated: 2026-03-27. Review status: criteria provided, single submitter. Criteria: ACMG Guidelines, 2015. Collection method: clinical testing. Allele origin: germline. Affected: no.
Comment: BP7

Ambry Genetics
Classification: Likely benign for Cardiovascular phenotype. Last evaluated: 2025-02-06. Review status: criteria provided, single submitter. Criteria: Ambry Variant Classification Scheme 2023. Collection method: clinical testing. Allele origin: germline.

Blueprint Genetics
Classification: Likely benign. Last evaluated: 2023-11-07. Review status: criteria provided, single submitter. Criteria: ACMG Guidelines, 2015. Collection method: clinical testing. Allele origin: germline.

GeneDx
Classification: Likely benign. Last evaluated: 2020-09-15. Review status: criteria provided, single submitter. Criteria: GeneDx Variant Classification Process June 2021. Collection method: clinical testing. Allele origin: germline. Affected: yes.

CHEO Genetics Diagnostic Laboratory, Children's Hospital of Eastern Ontario
Classification: Likely benign for Cardiomyopathy. Last evaluated: 2017-11-07. Review status: criteria provided, single submitter. Criteria: ACMG Guidelines, 2015. Collection method: clinical testing. Allele origin: germline.

Labcorp Genetics (formerly Invitae), Labcorp
Classification: Likely benign for Dilated cardiomyopathy 1G; Autosomal recessive limb-girdle muscular dystrophy type 2J. Last evaluated: 2017-08-14. Review status: criteria provided, single submitter. Criteria: Invitae Variant Classification Sherloc (09022015). Collection method: clinical testing. Allele origin: germline.